The following is an entry in ClinVar:

ClinVar aggregate classification (germline): Benign (1 of 4 stars; one submission).

Conditions:
Stuve-Wiedemann syndrome (STWS). Also called: Stüve-Wiedemann syndrome. Identifiers: Orphanet 3206, MedGen C0796176, MONDO:0031280.

Allele frequency attached by ClinVar (database versions not stated): gnomAD exomes 0.00337; gnomAD 0.01915 and 0.02039; TOPMed 0.02115; 1000 Genomes Project 0.02476; 1000 Genomes Project 30x 0.02670.
gnomAD v4.1: 3,149 of 223,036 alleles (1.4%); highest among the groups gnomAD compares: African/African-American, 6.6%; 90 homozygotes.

Submission:

Illumina Laboratory Services, Illumina
Classification: Benign for Stüve-Wiedemann syndrome 1. Last evaluated: 2018-01-13. Review status: criteria provided, single submitter. Criteria: ICSL Variant Classification Criteria 13 December 2019. Collection method: clinical testing. Allele origin: germline.
Comment: This variant was observed in the ICSL laboratory as part of a predisposition screen in an ostensibly healthy population. It had not been previously curated by ICSL or reported in the Human Gene Mutation Database (HGMD: prior to June 1st, 2018), and was therefore a candidate for classification through an automated scoring system. Utilizing variant allele frequency, disease prevalence and penetrance estimates, and inheritance mode, an automated score was calculated to assess if this variant is too frequent to cause the disease. Based on the score and internal cut-off values, a variant classified as benign is not then subjected to further curation. The score for this variant resulted in a classification of benign for this disease.

NM_001127671.2(LIFR):c.*1554C>G

Gene: LIFR (LIF receptor subunit alpha; minus strand). Cytogenetic location: 5p13.1.
Variant type: single nucleotide variant.
Coding change: c.*1554C>G on transcript NM_001127671.2 (MANE Select); 1554 bases downstream of the stop codon, C replaced by G.
Molecular consequence: 3 prime UTR variant.
Genome position (GRCh38, 1-based): chr5:38,480,041, G>C on the plus strand (C>G on the coding strand, the complement: LIFR is on the minus strand). VCF-style: chr5-38480041-G-C. GRCh37 (hg19) VCF-style: chr5-38480143-G-C.
Other names: c.*1554C>G (NM_001364297.2, NM_001364298.2, NM_002310.6).
Identifiers: ClinVar variation 353581 (VCV000353581.5), dbSNP rs1428604, ClinGen allele CA10621854.